The following is an entry in ClinVar:

ClinVar aggregate classification (germline): Uncertain significance (1 of 4 stars; one submission).

Conditions:
Ataxia-telangiectasia syndrome (AT). Also called: Ataxia-telangiectasia, complementation group E; Cerebello-oculocutaneous telangiectasia; Immunodeficiency with ataxia telangiectasia; Ataxia-telangiectasia, complementation group D; AT, COMPLEMENTATION GROUP C; Ataxia-telangiectasia. Identifiers: Orphanet 100, MedGen C0004135, MONDO:0008840, OMIM 208900.

gnomAD v4.1: 1 of 1,613,854 alleles (0.000062%); highest among the groups gnomAD compares: Non-Finnish European, 0.000085%; no homozygotes.

Submission:

Labcorp Genetics (formerly Invitae), Labcorp
Classification: Uncertain significance for Ataxia-telangiectasia syndrome. Last evaluated: 2019-03-22. Review status: criteria provided, single submitter. Criteria: Invitae Variant Classification Sherloc (09022015). Collection method: clinical testing. Allele origin: germline.
Comment: This sequence change replaces serine with threonine at codon 1357 of the ATM protein (p.Ser1357Thr). The serine residue is weakly conserved and there is a small physicochemical difference between serine and threonine. In summary, the available evidence is currently insufficient to determine the role of this variant in disease. Therefore, it has been classified as a Variant of Uncertain Significance. Algorithms developed to predict the effect of missense changes on protein structure and function output the following: SIFT: "Tolerated"; PolyPhen-2: "Benign"; Align-GVGD: "Class C0". The threonine amino acid residue is found in multiple mammalian species, suggesting that this missense change does not adversely affect protein function. These predictions have not been confirmed by published functional studies and their clinical significance is uncertain. This variant has not been reported in the literature in individuals with ATM-related conditions. This variant is not present in population databases (ExAC no frequency).

NM_000051.4(ATM):c.4069T>A (p.Ser1357Thr)

Gene: ATM (ATM serine/threonine kinase; plus strand). Cytogenetic location: 11q22.3.
Variant type: single nucleotide variant.
Coding change: c.4069T>A on transcript NM_000051.4 (MANE Select); coding-DNA position 4069, T replaced by A.
Protein change: p.Ser1357Thr; replaces serine 1357 with threonine.
Molecular consequence: missense variant.
Genome position (GRCh38, 1-based): chr11:108,287,675, T>A. VCF-style: chr11-108287675-T-A. GRCh37 (hg19) VCF-style: chr11-108158402-T-A.
Other names: c.4069T>A, p.Ser1357Thr (NM_001351834.2); short protein forms S1357T.
Identifiers: ClinVar variation 853856 (VCV000853856.9), dbSNP rs2082563881, ClinGen allele CA382528138.
Genomic context (GRCh38, chr11:108,287,675, plus strand): 5'-ATTAGTAATTTACCAGAGATTGTGGTGGAGTTATTGATGACGTTACATGAGCCAGCAAAT[T>A]CTAGTGCCAGTCAGAGCACTGACCTCTGTGACTTTTCAGGGTATGTACATTTTAAACTTA-3'
Protein context (NP_000042.3, residues 1347-1367): LLMTLHEPAN[Ser1357Thr]SASQSTDLCD